The following is an entry in ClinVar:

NM_000051.4(ATM):c.2830C>T (p.Leu944=)

Gene: ATM (ATM serine/threonine kinase; plus strand). Cytogenetic location: 11q22.3.
Variant type: single nucleotide variant.
Coding change: c.2830C>T on transcript NM_000051.4 (MANE Select); coding-DNA position 2830, C replaced by T.
Protein change: p.Leu944=; no amino-acid change (leucine 944 retained).
Molecular consequence: synonymous variant.
Genome position (GRCh38, 1-based): chr11:108,268,601, C>T. VCF-style: chr11-108268601-C-T. GRCh37 (hg19) VCF-style: chr11-108139328-C-T.
Other names: c.2830C>T, p.Leu944= (NM_001351834.2).
Identifiers: ClinVar variation 1796587 (VCV001796587.6), dbSNP rs2135527419, ClinGen allele CA476674046.
Genomic context (GRCh38, chr11:108,268,601, plus strand): 5'-CGGAGGAAATTGTTAATGTTAATTGATTCTAGCACGCTAGAACCTACCAAATCCCTCCAC[C>T]TGCATATGGTGAGTTACGTTAAATGAAGAAGCTCTTGGATTTTATCTGATGTTGCTGACT-3'
Protein context (NP_000042.3, residues 934-954): STLEPTKSLH[Leu944=]HMYLMLLKEL

ClinVar aggregate classification (germline): Benign/Likely benign. Review status: criteria provided, multiple submitters, no conflicts (2 of 4 stars). 3 submissions from 3 submitters: Benign (1); Likely benign (2). Last evaluated 2024-05-10.

Conditions:
Ataxia-telangiectasia syndrome (AT). Also called: Ataxia-telangiectasia, complementation group D; AT, COMPLEMENTATION GROUP C; ATAXIA-TELANGIECTASIA, COMPLEMENTATION GROUP A; ATAXIA-TELANGIECTASIA, FRESNO VARIANT; Ataxia-telangiectasia; LOUIS-BAR SYNDROME. Identifiers: Orphanet 100, MedGen C0004135, MONDO:0008840, OMIM 208900.
Familial cancer of breast. Also called: BREAST CANCER, FAMILIAL; hereditary breast carcinoma; Hereditary breast cancer. Identifiers: Orphanet 227535, MedGen C0346153, MONDO:0016419, OMIM 114480. Disease mechanism: loss of function.
Hereditary cancer-predisposing syndrome. Also called: Neoplastic Syndromes, Hereditary; Tumor predisposition; Hereditary neoplastic syndrome; Hereditary Cancer Syndrome. Identifiers: Orphanet 140162, MedGen C0027672, MeSH D009386, MONDO:0015356.

Submissions (3):

Myriad Genetics, Inc.
Classification: Benign for Familial cancer of breast. Last evaluated: 2024-05-10. Review status: criteria provided, single submitter. Criteria: Myriad Autosomal Dominant, Autosomal Recessive and X-Linked Classification Criteria (2023). Collection method: clinical testing. Allele origin: unknown.
Comment: This variant is considered benign. This variant is a silent/synonymous amino acid change and it is not expected to impact splicing.

Labcorp Genetics (formerly Invitae), Labcorp
Classification: Likely benign for Ataxia-telangiectasia syndrome. Last evaluated: 2023-05-15. Review status: criteria provided, single submitter. Criteria: Invitae Variant Classification Sherloc (09022015). Collection method: clinical testing. Allele origin: germline.

Ambry Genetics
Classification: Likely benign for Hereditary cancer-predisposing syndrome. Last evaluated: 2020-01-14. Review status: criteria provided, single submitter. Criteria: Ambry Variant Classification Scheme 2023. Collection method: clinical testing. Allele origin: germline.